The following is an entry in ClinVar:

NM_001378454.1(ALMS1):c.1861T>C (p.Ser621Pro)

Gene: ALMS1 (ALMS1 centrosome and basal body associated protein; plus strand). Cytogenetic location: 2p13.1.
Variant type: single nucleotide variant.
Coding change: c.1861T>C on transcript NM_001378454.1 (MANE Select); coding-DNA position 1861, T replaced by C.
Protein change: p.Ser621Pro; replaces serine 621 with proline.
Molecular consequence: missense variant.
Genome position (GRCh38, 1-based): chr2:73,448,388, T>C. VCF-style: chr2-73448388-T-C. GRCh37 (hg19) VCF-style: chr2-73675515-T-C.
Other names: c.1864T>C, p.Ser622Pro (NM_015120.4); short protein forms S621P, S622P.
Identifiers: ClinVar variation 2631289 (VCV002631289.1), dbSNP rs1163553731, ClinGen allele CA347265620.

ClinVar aggregate classification (germline): Uncertain significance (1 of 4 stars; one submission).

Conditions:
ALMS1-related disorder. Also called: ALMS1-related condition.

Submission:

PreventionGenetics, part of Exact Sciences
Classification: Uncertain significance for ALMS1-related condition. Last evaluated: 2023-05-08. Review status: criteria provided, single submitter. Criteria: ACMG Guidelines, 2015. Collection method: clinical testing. Allele origin: germline.
Comment: The ALMS1 c.1864T>C variant is predicted to result in the amino acid substitution p.Ser622Pro. To our knowledge, this variant has not been reported in the literature. This variant is reported in 0.013% of alleles in individuals of European (Non-Finnish) descent in gnomAD. At this time, the clinical significance of this variant is uncertain due to the absence of conclusive functional and genetic evidence.